The following is an entry in ClinVar:

NM_001276270.2(MBD4):c.1075G>A (p.Gly359Arg)

Gene: MBD4 (methyl-CpG binding domain 4, DNA glycosylase; minus strand). Cytogenetic location: 3q21.3.
Variant type: single nucleotide variant.
Coding change: c.1075G>A on transcript NM_001276270.2 (MANE Select); coding-DNA position 1075, G replaced by A.
Protein change: p.Gly359Arg; replaces glycine 359 with arginine.
Molecular consequence: missense variant. On other transcripts: intron variant (1).
Genome position (GRCh38, 1-based): chr3:129,436,569, C>T on the plus strand (G>A on the coding strand, the complement: MBD4 is on the minus strand). VCF-style: chr3-129436569-C-T. GRCh37 (hg19) VCF-style: chr3-129155412-C-T.
Other names: c.1075G>A, p.Gly359Arg (NM_001276271.2, NM_001276272.2, NM_003925.3); c.247+1239G>A (NM_001276273.2); short protein forms G359R.
Identifiers: ClinVar variation 2778931 (VCV002778931.4), dbSNP rs1382516356, ClinGen allele CA354466610.

ClinVar aggregate classification (germline): Conflicting classifications of pathogenicity. Review status: criteria provided, conflicting classifications (1 of 4 stars). 2 submissions from 2 submitters: Uncertain significance (1); Likely benign (1). Last evaluated 2025-02-03.

Conditions:
Inborn genetic diseases. Identifiers: MedGen C0950123, MeSH D030342.

Allele frequency attached by ClinVar (database versions not stated): gnomAD 0.00001; gnomAD exomes 0.00001; TOPMed 0.00002.

Submissions (2):

Labcorp Genetics (formerly Invitae), Labcorp
Classification: Uncertain significance. Last evaluated: 2025-02-03. Review status: criteria provided, single submitter. Criteria: Invitae Variant Classification Sherloc (09022015). Collection method: clinical testing. Allele origin: germline.
Comment: This sequence change replaces glycine, which is neutral and non-polar, with arginine, which is basic and polar, at codon 359 of the MBD4 protein (p.Gly359Arg). This variant is present in population databases (no rsID available, gnomAD 0.003%). This variant has not been reported in the literature in individuals affected with MBD4-related conditions. ClinVar contains an entry for this variant (Variation ID: 2778931). An algorithm developed to predict the effect of missense changes on protein structure and function outputs the following: PolyPhen-2: "Benign". The arginine amino acid residue is found in multiple mammalian species, which suggests that this missense change does not adversely affect protein function. In summary, the available evidence is currently insufficient to determine the role of this variant in disease. Therefore, it has been classified as a Variant of Uncertain Significance.

Ambry Genetics
Classification: Likely benign for Inborn genetic diseases. Last evaluated: 2025-01-15. Review status: criteria provided, single submitter. Criteria: Ambry Variant Classification Scheme 2023. Collection method: clinical testing. Allele origin: germline.